The following is an entry in ClinVar:

ClinVar aggregate classification (germline): Benign. Review status: criteria provided, multiple submitters, no conflicts (2 of 4 stars). 2 submissions from 2 submitters: Benign (2). Last evaluated 2018-06-14.

Allele frequency attached by ClinVar (database versions not stated): TOPMed 0.16683; ESP Exome Variant Server 0.17354; 1000 Genomes Project 30x 0.18785; 1000 Genomes Project 0.19129.
gnomAD v4.1: 355,404 of 1,498,052 alleles (24%); highest among the groups gnomAD compares: South Asian, 33%; 44,767 homozygotes.

Submissions (2):

GeneDx
Classification: Benign. Last evaluated: 2018-06-14. Review status: criteria provided, single submitter. Criteria: GeneDx Variant Classification (06012015). Collection method: clinical testing. Allele origin: germline. Affected: yes.
Comment: This variant is considered likely benign or benign based on one or more of the following criteria: it is a conservative change, it occurs at a poorly conserved position in the protein, it is predicted to be benign by multiple in silico algorithms, and/or has population frequency not consistent with disease.

Breakthrough Genomics
Classification: Benign. Review status: criteria provided, single submitter. Criteria: ACMG Guidelines, 2015. Collection method: not provided. Allele origin: germline. Inheritance: Autosomal dominant inheritance. Affected: yes.

NM_001347721.2(DYRK1A):c.637+22G>A

Gene: DYRK1A (dual specificity tyrosine phosphorylation regulated kinase 1A; plus strand). Cytogenetic location: 21q22.13.
Variant type: single nucleotide variant.
Coding change: c.637+22G>A on transcript NM_001347721.2 (MANE Select); 22 bases into the intron after coding-DNA position 637, G replaced by A.
Molecular consequence: intron variant.
Genome position (GRCh38, 1-based): chr21:37,486,636, G>A. VCF-style: chr21-37486636-G-A. GRCh37 (hg19) VCF-style: chr21-38858938-G-A.
Other names: c.664+22G>A (NM_001396.5, NM_101395.2, NM_130438.2); c.637+22G>A (NM_001347722.2, NM_130436.2); c.550+22G>A (NM_001347723.2).
Identifiers: ClinVar variation 681326 (VCV000681326.2), dbSNP rs55650427, ClinGen allele CA10023822.
Genomic context (GRCh38, chr21:37,486,636, plus strand): 5'-TCATGAACAAACATGACACTGAAATGAAATACTACATAGGTAAACAAACAGGCAAACAGC[G>A]CAGTGTGCCCCAACCCACACCAAAACTTTGAGTTAATGGTTCTTTTCTATCAAAATATTT-3'